The following is an entry in ClinVar:

ClinVar aggregate classification (germline): Uncertain significance (1 of 4 stars; one submission).

Conditions:
Ellis-van Creveld syndrome (EVC). Also called: EVC-Related Ellis-van Creveld Syndrome; EVC2-Related Ellis-van Creveld Syndrome; MESOECTODERMAL DYSPLASIA; Chondroectodermal dysplasia. Identifiers: Orphanet 289, MedGen C0013903, MONDO:0009162, OMIM 225500.
Curry-Hall syndrome (WAD). Also called: WEYERS ACRODENTAL DYSOSTOSIS. Identifiers: Orphanet 952, MedGen C0457013, MONDO:0008673, OMIM 193530.

gnomAD v4.1: 3 of 1,614,184 alleles (0.00019%); highest among the groups gnomAD compares: East Asian, 0.0022%; no homozygotes.

Submission:

Labcorp Genetics (formerly Invitae), Labcorp
Classification: Uncertain significance for Curry-Hall syndrome; Ellis-van Creveld syndrome. Last evaluated: 2025-03-06. Review status: criteria provided, single submitter. Criteria: Invitae Variant Classification Sherloc (09022015). Collection method: clinical testing. Allele origin: germline.
Comment: This sequence change replaces valine, which is neutral and non-polar, with isoleucine, which is neutral and non-polar, at codon 875 of the EVC2 protein (p.Val875Ile). This variant is present in population databases (rs771478207, gnomAD 0.03%). This variant has not been reported in the literature in individuals affected with EVC2-related conditions. An algorithm developed to predict the effect of missense changes on protein structure and function (PolyPhen-2) suggests that this variant is likely to be tolerated. In summary, the available evidence is currently insufficient to determine the role of this variant in disease. Therefore, it has been classified as a Variant of Uncertain Significance.

NM_147127.5(EVC2):c.2623G>A (p.Val875Ile)

Gene: EVC2 (EvC ciliary complex subunit 2; minus strand). Cytogenetic location: 4p16.2.
Variant type: single nucleotide variant.
Coding change: c.2623G>A on transcript NM_147127.5 (MANE Select); coding-DNA position 2623, G replaced by A.
Protein change: p.Val875Ile; replaces valine 875 with isoleucine.
Molecular consequence: missense variant.
Genome position (GRCh38, 1-based): chr4:5,618,561, C>T on the plus strand (G>A on the coding strand, the complement: EVC2 is on the minus strand). VCF-style: chr4-5618561-C-T. GRCh37 (hg19) VCF-style: chr4-5620288-C-T.
Other names: c.2383G>A, p.Val795Ile (NM_001166136.2); short protein forms V795I, V875I.
Identifiers: ClinVar variation 4787880 (VCV004787880.1).